The following is an entry in ClinVar:

ClinVar aggregate classification (germline): Uncertain significance (1 of 4 stars; one submission).

Submission:

Labcorp Genetics (formerly Invitae), Labcorp
Classification: Uncertain significance. Last evaluated: 2022-03-11. Review status: criteria provided, single submitter. Criteria: Invitae Variant Classification Sherloc (09022015). Collection method: clinical testing. Allele origin: germline.
Comment: This variant is not present in population databases (gnomAD no frequency). In summary, the available evidence is currently insufficient to determine the role of this variant in disease. Therefore, it has been classified as a Variant of Uncertain Significance. Experimental studies and prediction algorithms are not available or were not evaluated, and the functional significance of this variant is currently unknown. This variant has not been reported in the literature in individuals affected with COL18A1-related conditions. This sequence change replaces valine, which is neutral and non-polar, with glycine, which is neutral and non-polar, at codon 1061 of the COL18A1 protein (p.Val1061Gly).

NM_001379500.1(COL18A1):c.3191T>G (p.Val1064Gly)

Genes: COL18A1 (collagen type XVIII alpha 1 chain; plus strand), SLC19A1 (solute carrier family 19 member 1; minus strand). Cytogenetic location: 21q22.3.
Variant type: single nucleotide variant.
Coding change: c.3191T>G on transcript NM_001379500.1 (MANE Select); coding-DNA position 3191, T replaced by G.
Protein change: p.Val1064Gly; replaces valine 1064 with glycine.
Molecular consequence: missense variant.
Genome position (GRCh38, 1-based): chr21:45,505,941, T>G. VCF-style: chr21-45505941-T-G. GRCh37 (hg19) VCF-style: chr21-46925855-T-G.
Other names: c.3722T>G, p.Val1241Gly (NM_030582.4); c.4427T>G, p.Val1476Gly (NM_130444.3); short protein forms V1064G, V1241G, V1476G.
Identifiers: ClinVar variation 2109402 (VCV002109402.4), dbSNP rs2517803159, ClinGen allele CA410500072.